The following is an entry in ClinVar:

ClinVar aggregate classification (germline): Uncertain significance (1 of 4 stars; one submission).

Conditions:
Hereditary cancer-predisposing syndrome. Also called: Neoplastic Syndromes, Hereditary; Tumor predisposition; Hereditary neoplastic syndrome; Hereditary Cancer Syndrome. Identifiers: Orphanet 140162, MedGen C0027672, MeSH D009386, MONDO:0015356.

Submission:

Ambry Genetics
Classification: Uncertain significance for Hereditary cancer-predisposing syndrome. Last evaluated: 2026-07-06. Review status: criteria provided, single submitter. Criteria: Ambry Variant Classification Scheme 2023. Collection method: clinical testing. Allele origin: germline.
Comment: The p.D285Y variant (also known as c.853G>T), located in coding exon 3 of the PHOX2B gene, results from a G to T substitution at nucleotide position 853. The aspartic acid at codon 285 is replaced by tyrosine, an amino acid with highly dissimilar properties. This amino acid position is conserved. In addition, the in silico prediction for this alteration is inconclusive. Based on the available evidence, the clinical significance of this variant remains unclear.

NM_003924.4(PHOX2B):c.853G>T (p.Asp285Tyr)

Gene: PHOX2B (paired like homeobox 2B; minus strand). Cytogenetic location: 4p13.
Variant type: single nucleotide variant.
Coding change: c.853G>T on transcript NM_003924.4 (MANE Select); coding-DNA position 853, G replaced by T.
Protein change: p.Asp285Tyr; replaces aspartic acid 285 with tyrosine.
Molecular consequence: missense variant.
Genome position (GRCh38, 1-based): chr4:41,745,899, C>A on the plus strand (G>T on the coding strand, the complement: PHOX2B is on the minus strand). VCF-style: chr4-41745899-C-A. GRCh37 (hg19) VCF-style: chr4-41747916-C-A.
Other names: short protein forms D285Y.
Identifiers: ClinVar variation 5026554 (VCV005026554.1).